The following is an entry in ClinVar:

ClinVar aggregate classification (germline): Pathogenic (1 of 4 stars; one submission).

Submission:

Labcorp Genetics (formerly Invitae), Labcorp
Classification: Pathogenic. Last evaluated: 2022-08-06. Review status: criteria provided, single submitter. Criteria: Invitae Variant Classification Sherloc (09022015). Collection method: clinical testing. Allele origin: germline.
Comment: This variant is not present in population databases (gnomAD no frequency). For these reasons, this variant has been classified as Pathogenic. Algorithms developed to predict the effect of sequence changes on RNA splicing suggest that this variant may disrupt the consensus splice site. This variant has not been reported in the literature in individuals affected with ESCO2-related conditions. This sequence change creates a premature translational stop signal (p.Gln359*) in the ESCO2 gene. It is expected to result in an absent or disrupted protein product. Loss-of-function variants in ESCO2 are known to be pathogenic (PMID: 15821733, 16380922).

Literature cited by the submitters: PubMed 15821733; PubMed 16380922.

NM_001017420.3(ESCO2):c.1075C>T (p.Gln359Ter)

Gene: ESCO2 (establishment of sister chromatid cohesion N-acetyltransferase 2; plus strand). Cytogenetic location: 8p21.1.
Variant type: single nucleotide variant.
Coding change: c.1075C>T on transcript NM_001017420.3 (MANE Select); coding-DNA position 1075, C replaced by T.
Protein change: p.Gln359Ter; replaces glutamine 359 with a stop codon.
Molecular consequence: nonsense.
Genome position (GRCh38, 1-based): chr8:27,787,946, C>T. VCF-style: chr8-27787946-C-T. GRCh37 (hg19) VCF-style: chr8-27645463-C-T.
Other names: short protein forms Q359*.
Identifiers: ClinVar variation 2022099 (VCV002022099.4), dbSNP rs2486654234, ClinGen allele CA370823481.